The following is an entry in ClinVar:

ClinVar aggregate classification (germline): Uncertain significance (1 of 4 stars; one submission).

Submission:

Labcorp Genetics (formerly Invitae), Labcorp
Classification: Uncertain significance. Last evaluated: 2022-08-08. Review status: criteria provided, single submitter. Criteria: Invitae Variant Classification Sherloc (09022015). Collection method: clinical testing. Allele origin: germline.
Comment: In summary, the available evidence is currently insufficient to determine the role of this variant in disease. Therefore, it has been classified as a Variant of Uncertain Significance. Algorithms developed to predict the effect of sequence changes on RNA splicing suggest that this variant may disrupt the consensus splice site. This variant has not been reported in the literature in individuals affected with IMPG2-related conditions. This variant is not present in population databases (gnomAD no frequency). This sequence change affects codon 1078 of the IMPG2 mRNA. It is a 'silent' change, meaning that it does not change the encoded amino acid sequence of the IMPG2 protein. It affects a nucleotide within the consensus splice site.

NM_016247.4(IMPG2):c.3234G>A (p.Arg1078=)

Gene: IMPG2 (interphotoreceptor matrix proteoglycan 2; minus strand). Cytogenetic location: 3q12.3.
Variant type: single nucleotide variant.
Coding change: c.3234G>A on transcript NM_016247.4 (MANE Select); coding-DNA position 3234, G replaced by A.
Protein change: p.Arg1078=; no amino-acid change (arginine 1078 retained).
Molecular consequence: synonymous variant.
Genome position (GRCh38, 1-based): chr3:101,231,145, C>T on the plus strand (G>A on the coding strand, the complement: IMPG2 is on the minus strand). VCF-style: chr3-101231145-C-T. GRCh37 (hg19) VCF-style: chr3-100949989-C-T.
Identifiers: ClinVar variation 2022715 (VCV002022715.4), dbSNP rs1553680151, ClinGen allele CA434711954.